The following is an entry in ClinVar:

NM_002691.4(POLD1):c.1253T>C (p.Phe418Ser)

Gene: POLD1 (DNA polymerase delta 1, catalytic subunit; plus strand). Cytogenetic location: 19q13.33.
Variant type: single nucleotide variant.
Coding change: c.1253T>C on transcript NM_002691.4 (MANE Select); coding-DNA position 1253, T replaced by C.
Protein change: p.Phe418Ser; replaces phenylalanine 418 with serine.
Molecular consequence: missense variant. On other transcripts: non-coding transcript variant (1).
Genome position (GRCh38, 1-based): chr19:50,406,192, T>C. VCF-style: chr19-50406192-T-C. GRCh37 (hg19) VCF-style: chr19-50909449-T-C.
Other names: c.1253T>C, p.Phe418Ser (NM_001256849.1, NM_001308632.1, NM_001438210.1 and 3 more transcripts); short protein forms F418S.
Identifiers: ClinVar variation 4744744 (VCV004744744.1).

ClinVar aggregate classification (germline): Uncertain significance (1 of 4 stars; one submission).

Conditions:
POLD1-related polyposis and colorectal cancer syndrome (CRCS10). Also called: COLORECTAL CANCER, SUSCEPTIBILITY TO, ON CHROMOSOME 19q; Colorectal cancer 10; Colorectal cancer, susceptibility to, 10. Identifiers: Orphanet 220460, MedGen C2675481, MONDO:0012953, OMIM 612591.

gnomAD v4.1: 1 of 1,613,362 alleles (0.000062%); highest among the groups gnomAD compares: South Asian, 0.0011%; no homozygotes.

Submission:

Labcorp Genetics (formerly Invitae), Labcorp
Classification: Uncertain significance for POLD1-related polyposis and colorectal cancer syndrome. Last evaluated: 2025-04-09. Review status: criteria provided, single submitter. Criteria: Invitae Variant Classification Sherloc (09022015). Collection method: clinical testing. Allele origin: germline.
Comment: This sequence change replaces phenylalanine, which is neutral and non-polar, with serine, which is neutral and polar, at codon 418 of the POLD1 protein (p.Phe418Ser). The frequency data for this variant in the population databases is considered unreliable, as metrics indicate poor data quality at this position in the gnomAD database. This variant has not been reported in the literature in individuals affected with POLD1-related conditions. Invitae Evidence Modeling of protein sequence and biophysical properties (such as structural, functional, and spatial information, amino acid conservation, physicochemical variation, residue mobility, and thermodynamic stability) indicates that this missense variant is not expected to disrupt POLD1 protein function with a negative predictive value of 80%. In summary, the available evidence is currently insufficient to determine the role of this variant in disease. Therefore, it has been classified as a Variant of Uncertain Significance.